The following is an entry in ClinVar:

NM_152328.5(ADSS1):c.874G>A (p.Gly292Ser)

Gene: ADSS1 (adenylosuccinate synthase 1; plus strand). Cytogenetic location: 14q32.33.
Variant type: single nucleotide variant.
Coding change: c.874G>A on transcript NM_152328.5 (MANE Select); coding-DNA position 874, G replaced by A.
Protein change: p.Gly292Ser; replaces glycine 292 with serine.
Molecular consequence: missense variant.
Genome position (GRCh38, 1-based): chr14:104,741,928, G>A. VCF-style: chr14-104741928-G-A. GRCh37 (hg19) VCF-style: chr14-105208265-G-A.
Other names: p.Gly335Ser; c.259G>A, p.Gly87Ser (NM_001320424.1); c.1003G>A, p.Gly335Ser (NM_199165.2); short protein forms G292S, G87S, G335S.
Identifiers: ClinVar variation 718781 (VCV000718781.14), dbSNP rs74089211, ClinGen allele CA7373908.
Genomic context (GRCh38, chr14:104,741,928, plus strand): 5'-TCATCCAACTGCACCGTGGGCGGTGTGTGCACGGGCCTGGGCATCCCCCCGCAGAACATA[G>A]GTGACGTGTATGGCGTGGTGAAAGCCTATACCACACGTGTGGGCATCGGGGCCTTCCCCA-3'
Protein context (NP_689541.1, residues 282-302): TGLGIPPQNI[Gly292Ser]DVYGVVKAYT

ClinVar aggregate classification (germline): Benign. Review status: criteria provided, multiple submitters, no conflicts (2 of 4 stars). 4 submissions from 4 submitters: Benign (3). 1 of the submissions does not count toward it. Last evaluated 2026-02-03.

Conditions:
ADSS1-related disorder. Also called: ADSS1-related condition.

Allele frequency attached by ClinVar (database versions not stated): gnomAD exomes 0.00252; ExAC 0.00302; 1000 Genomes Project 0.00958; gnomAD 0.01010 and 0.01097; 1000 Genomes Project 30x 0.01031; TOPMed 0.01167; ESP Exome Variant Server 0.01192.

Submissions (4):

Labcorp Genetics (formerly Invitae), Labcorp
Classification: Benign. Last evaluated: 2026-02-03. Review status: criteria provided, single submitter. Criteria: Invitae Variant Classification Sherloc (09022015). Collection method: clinical testing. Allele origin: germline.

Mayo Clinic Laboratories, Mayo Clinic
Classification: Benign. Last evaluated: 2023-12-29. Review status: criteria provided, single submitter. Criteria: ACMG Guidelines, 2015. Collection method: clinical testing. Allele origin: germline. Observed: 3 variant alleles.
Comment: BA1, BS2

Breakthrough Genomics
Classification: Benign. Review status: criteria provided, single submitter. Criteria: ACMG Guidelines, 2015. Collection method: not provided. Allele origin: germline. Inheritance: Autosomal recessive inheritance. Affected: yes.

PreventionGenetics, part of Exact Sciences
Classification: Benign for ADSS1-related condition. Last evaluated: 2019-06-14. Review status: no assertion criteria provided. Collection method: clinical testing. Allele origin: germline. Not counted in ClinVar's aggregate classification.
Comment: This variant is classified as benign based on ACMG/AMP sequence variant interpretation guidelines (Richards et al. 2015 PMID: 25741868, with internal and published modifications).